The following is an entry in ClinVar:

ClinVar aggregate classification (germline): Conflicting classifications of pathogenicity. Review status: criteria provided, conflicting classifications (1 of 4 stars). 8 submissions from 7 submitters: Uncertain significance (1); Benign (3); Likely benign (4). Last evaluated 2026-02-04.

Conditions:
Hereditary cancer-predisposing syndrome. Also called: Tumor predisposition; Hereditary neoplastic syndrome; Hereditary Cancer Syndrome; Neoplastic Syndromes, Hereditary. Identifiers: Orphanet 140162, MedGen C0027672, MeSH D009386, MONDO:0015356.
Holoprosencephaly 7 (HPE7). Identifiers: Orphanet 2162, MedGen C1835820, MONDO:0012562, OMIM 610828.
Gorlin syndrome. Also called: Basal cell nevus syndrome; Nevoid Basal Cell Carcinoma Syndrome. Identifiers: Orphanet 377, MedGen C0004779, MONDO:0007187.

Allele frequency attached by ClinVar (database versions not stated): ESP Exome Variant Server 0.00008; TOPMed 0.00010; 1000 Genomes Project 30x 0.00078; 1000 Genomes Project 0.00100; gnomAD 0.00119 and 0.00128; gnomAD exomes 0.00165; ExAC 0.00222.
gnomAD v4.1: 1,258 of 1,612,384 alleles (0.078%); highest among the groups gnomAD compares: East Asian, 0.065%; 4 homozygotes.

Submissions (8):

Labcorp Genetics (formerly Invitae), Labcorp
Classification: Benign for Gorlin syndrome. Last evaluated: 2026-02-04. Review status: criteria provided, single submitter. Criteria: Invitae Variant Classification Sherloc (09022015). Collection method: clinical testing. Allele origin: germline.

Center for Genomic Medicine, Rigshospitalet, Copenhagen University Hospital
Classification: Uncertain significance. Last evaluated: 2025-03-04. Review status: criteria provided, single submitter. Criteria: ACMG Guidelines, 2015. Collection method: clinical testing. Allele origin: germline.

CeGaT Center for Human Genetics Tuebingen
Classification: Likely benign. Last evaluated: 2025-01-01. Review status: criteria provided, single submitter. Criteria: CeGaT Center For Human Genetics Tuebingen Variant Classification Criteria Version 2. Collection method: clinical testing. Allele origin: germline. Affected: yes. Observed: 4 variant alleles.
Comment: PTCH1: BS1

Blueprint Genetics
Classification: Likely benign. Last evaluated: 2024-11-18. Review status: criteria provided, single submitter. Criteria: ACMG Guidelines, 2015. Collection method: clinical testing. Allele origin: germline.

Illumina Laboratory Services, Illumina
Classification: Benign for Basal cell nevus syndrome 1. Last evaluated: 2018-01-13. Review status: criteria provided, single submitter. Criteria: ICSL Variant Classification Criteria 13 December 2019. Collection method: clinical testing. Allele origin: germline.
Comment: This variant was observed in the ICSL laboratory as part of a predisposition screen in an ostensibly healthy population. It had not been previously curated by ICSL or reported in the Human Gene Mutation Database (HGMD: prior to June 1st, 2018), and was therefore a candidate for classification through an automated scoring system. Utilizing variant allele frequency, disease prevalence and penetrance estimates, and inheritance mode, an automated score was calculated to assess if this variant is too frequent to cause the disease. Based on the score and internal cut-off values, a variant classified as benign is not then subjected to further curation. The score for this variant resulted in a classification of benign for this disease.

Illumina Laboratory Services, Illumina
Classification: Likely benign for Holoprosencephaly 7. Last evaluated: 2018-01-13. Review status: criteria provided, single submitter. Criteria: ICSL Variant Classification Criteria 13 December 2019. Collection method: clinical testing. Allele origin: germline.
Comment: This variant was observed in the ICSL laboratory as part of a predisposition screen in an ostensibly healthy population. It had not been previously curated by ICSL or reported in the Human Gene Mutation Database (HGMD: prior to June 1st, 2018), and was therefore a candidate for classification through an automated scoring system. Utilizing variant allele frequency, disease prevalence and penetrance estimates, and inheritance mode, an automated score was calculated to assess if this variant is too frequent to cause the disease. Based on the score and internal cut-off values, a variant classified as likely benign is not then subjected to further curation. The score for this variant resulted in a classification of likely benign for this disease.

GeneDx
Classification: Likely benign. Last evaluated: 2017-08-23. Review status: criteria provided, single submitter. Criteria: GeneDx Variant Classification (06012015). Collection method: clinical testing. Allele origin: germline. Affected: yes.
Comment: This variant is considered likely benign or benign based on one or more of the following criteria: it is a conservative change, it occurs at a poorly conserved position in the protein, it is predicted to be benign by multiple in silico algorithms, and/or has population frequency not consistent with disease.

Ambry Genetics
Classification: Benign for Hereditary cancer-predisposing syndrome. Last evaluated: 2017-06-22. Review status: criteria provided, single submitter. Criteria: Ambry Variant Classification Scheme 2023. Collection method: clinical testing. Allele origin: germline.

NM_000264.5(PTCH1):c.3692T>C (p.Val1231Ala)

Gene: PTCH1 (patched 1; minus strand). Cytogenetic location: 9q22.32.
Variant type: single nucleotide variant.
Coding change: c.3692T>C on transcript NM_000264.5 (MANE Select); coding-DNA position 3692, T replaced by C.
Protein change: p.Val1231Ala; replaces valine 1231 with alanine.
Molecular consequence: missense variant. On other transcripts: non-coding transcript variant (1).
Genome position (GRCh38, 1-based): chr9:95,449,181, A>G on the plus strand (T>C on the coding strand, the complement: PTCH1 is on the minus strand). VCF-style: chr9-95449181-A-G. GRCh37 (hg19) VCF-style: chr9-98211463-A-G.
Other names: c.3494T>C, p.Val1165Ala (NM_001083602.3); c.3689T>C, p.Val1230Ala (NM_001083603.3); c.3239T>C, p.Val1080Ala (NM_001083604.3, NM_001083605.3, NM_001083606.3 and 1 more transcripts); c.3536T>C, p.Val1179Ala (NM_001354918.2); short protein forms V1165A, V1231A, V1179A, V1080A, V1230A.
Identifiers: ClinVar variation 135895 (VCV000135895.45), dbSNP rs182045135, ClinGen allele CA332548.